The following is an entry in ClinVar:

ClinVar aggregate classification (germline): Uncertain significance (1 of 4 stars; one submission).

Conditions:
Giant axonal neuropathy 1 (GAN1). Also called: GAN-Related Neurodegeneration; GIANT AXONAL NEUROPATHY 1, AUTOSOMAL RECESSIVE. Identifiers: Orphanet 643, MedGen C1850386, MONDO:0009749, OMIM 256850.

Allele frequency attached by ClinVar (database versions not stated): gnomAD exomes below 0.00001; ExAC 0.00001; gnomAD 0.00001; TOPMed 0.00001.
gnomAD v4.1: 2 of 1,607,616 alleles (0.00012%); highest among the groups gnomAD compares: African/African-American, 0.0013%; no homozygotes.

Submission:

Labcorp Genetics (formerly Invitae), Labcorp
Classification: Uncertain significance for Giant axonal neuropathy 1. Last evaluated: 2021-08-30. Review status: criteria provided, single submitter. Criteria: Invitae Variant Classification Sherloc (09022015). Collection method: clinical testing. Allele origin: germline.
Comment: This sequence change replaces glutamic acid with lysine at codon 99 of the GAN protein (p.Glu99Lys). The glutamic acid residue is highly conserved and there is a small physicochemical difference between glutamic acid and lysine. This variant is present in population databases (rs746154353, ExAC 0.001%). This variant has not been reported in the literature in individuals affected with GAN-related conditions. Algorithms developed to predict the effect of missense changes on protein structure and function are either unavailable or do not agree on the potential impact of this missense change (SIFT: "Deleterious"; PolyPhen-2: "Benign"; Align-GVGD: "Class C55"). In summary, the available evidence is currently insufficient to determine the role of this variant in disease. Therefore, it has been classified as a Variant of Uncertain Significance.

NM_022041.4(GAN):c.295G>A (p.Glu99Lys)

Gene: GAN (gigaxonin; plus strand). Cytogenetic location: 16q23.2.
Variant type: single nucleotide variant.
Coding change: c.295G>A on transcript NM_022041.4 (MANE Select); coding-DNA position 295, G replaced by A.
Protein change: p.Glu99Lys; replaces glutamic acid 99 with lysine.
Molecular consequence: missense variant. On other transcripts: 5 prime UTR variant (1).
Genome position (GRCh38, 1-based): chr16:81,354,417, G>A. VCF-style: chr16-81354417-G-A. GRCh37 (hg19) VCF-style: chr16-81388022-G-A.
Other names: c.-345G>A (NM_001377486.1); short protein forms E99K.
Identifiers: ClinVar variation 863261 (VCV000863261.7), dbSNP rs746154353, ClinGen allele CA8191340.